The following is an entry in ClinVar:

NM_001271.4(CHD2):c.4133T>G (p.Val1378Gly)

Gene: CHD2 (chromodomain helicase DNA binding protein 2; plus strand). Cytogenetic location: 15q26.1.
Variant type: single nucleotide variant.
Coding change: c.4133T>G on transcript NM_001271.4 (MANE Select); coding-DNA position 4133, T replaced by G.
Protein change: p.Val1378Gly; replaces valine 1378 with glycine.
Molecular consequence: missense variant.
Genome position (GRCh38, 1-based): chr15:93,000,636, T>G. VCF-style: chr15-93000636-T-G. GRCh37 (hg19) VCF-style: chr15-93543866-T-G.
Other names: short protein forms V1378G.
Identifiers: ClinVar variation 1018437 (VCV001018437.9), dbSNP rs2054242633, ClinGen allele CA393900566.

ClinVar aggregate classification (germline): Uncertain significance (1 of 4 stars; one submission).

Conditions:
Developmental and epileptic encephalopathy 94 (DEE94). Also called: CHD2-Related Neurodevelopmental Disorders; Epileptic encephalopathy, childhood-onset. Identifiers: Orphanet 1942, Orphanet 2382, MedGen C3809278, MONDO:0014150, OMIM 615369.

Allele frequency attached by ClinVar (database versions not stated): gnomAD exomes below 0.00001.
gnomAD v4.1: 2 of 1,610,660 alleles (0.00012%); highest among the groups gnomAD compares: Non-Finnish European, 0.00017%; no homozygotes.

Submission:

Labcorp Genetics (formerly Invitae), Labcorp
Classification: Uncertain significance for Developmental and epileptic encephalopathy 94. Last evaluated: 2020-09-15. Review status: criteria provided, single submitter. Criteria: Invitae Variant Classification Sherloc (09022015). Collection method: clinical testing. Allele origin: germline.
Comment: In summary, the available evidence is currently insufficient to determine the role of this variant in disease. Therefore, it has been classified as a Variant of Uncertain Significance. This sequence change replaces valine with glycine at codon 1378 of the CHD2 protein (p.Val1378Gly). The valine residue is highly conserved and there is a moderate physicochemical difference between valine and glycine. This variant is not present in population databases (ExAC no frequency). This variant has not been reported in the literature in individuals with CHD2-related conditions. Advanced modeling of protein sequence and biophysical properties (such as structural, functional, and spatial information, amino acid conservation, physicochemical variation, residue mobility, and thermodynamic stability) performed at Invitae indicates that this missense variant is not expected to disrupt CHD2 protein function.